The following is an entry in ClinVar:

ClinVar aggregate classification (germline): Uncertain significance (1 of 4 stars; one submission).

Conditions:
Pitt-Hopkins-like syndrome 2 (PTHSL2). Identifiers: Orphanet 221150, Orphanet 600663, MedGen C3280479, MONDO:0013690, OMIM 614325.

Allele frequency attached by ClinVar (database versions not stated): TOPMed below 0.00001.

Submission:

Labcorp Genetics (formerly Invitae), Labcorp
Classification: Uncertain significance for Pitt-Hopkins-like syndrome 2. Last evaluated: 2024-04-23. Review status: criteria provided, single submitter. Criteria: Invitae Variant Classification Sherloc (09022015). Collection method: clinical testing. Allele origin: germline.
Comment: This sequence change replaces aspartic acid, which is acidic and polar, with glycine, which is neutral and non-polar, at codon 292 of the NRXN1 protein (p.Asp292Gly). This variant is not present in population databases (gnomAD no frequency). This variant has not been reported in the literature in individuals affected with NRXN1-related conditions. An algorithm developed to predict the effect of missense changes on protein structure and function (PolyPhen-2) suggests that this variant is likely to be tolerated. In summary, the available evidence is currently insufficient to determine the role of this variant in disease. Therefore, it has been classified as a Variant of Uncertain Significance.

NM_001330078.2(NRXN1):c.776A>G (p.Asp259Gly)

Gene: NRXN1 (neurexin 1; minus strand). Cytogenetic location: 2p16.3.
Variant type: single nucleotide variant.
Coding change: c.776A>G on transcript NM_001330078.2 (MANE Select); coding-DNA position 776, A replaced by G.
Protein change: p.Asp259Gly; replaces aspartic acid 259 with glycine.
Molecular consequence: missense variant. On other transcripts: intron variant (6).
Genome position (GRCh38, 1-based): chr2:50,925,952, T>C on the plus strand (A>G on the coding strand, the complement: NRXN1 is on the minus strand). VCF-style: chr2-50925952-T-C. GRCh37 (hg19) VCF-style: chr2-51153090-T-C.
Other names: c.875A>G, p.Asp292Gly (NM_001135659.3); c.776A>G, p.Asp259Gly (NM_001330077.2, NM_001330081.2, NM_001330082.2 and 6 more transcripts); c.773A>G, p.Asp258Gly (NM_001330079.2, NM_001330093.2); c.772+101550A>G (NM_001330096.2, NM_001330087.2, NM_001330083.2 and 1 more transcripts); c.773-3265A>G (NM_001330088.2, NM_001330089.2); short protein forms D259G, D292G, D258G.
Identifiers: ClinVar variation 2802580 (VCV002802580.3), dbSNP rs1686806646, ClinGen allele CA346822926.
Genomic context (GRCh38, chr2:50,925,952, plus strand): 5'-ATAAAGGACAAATGAGAGTTGGAAAAATAAGGTAGAAAGCACCCACCTTCCACATTGTTG[T>C]CTTCTGAAAGCACATGACAAGGAGGGAGAGAAAAGGAAAAACATTCATTAAGCAGCATGC-3'
Protein context (NP_001317007.1, residues 249-269): GFRGKDCSQE[Asp259Gly]NNVEGLAHLM